The following is an entry in ClinVar:

ClinVar aggregate classification (germline): Uncertain significance (1 of 4 stars; one submission).

Conditions:
Congenital muscular dystrophy due to integrin alpha-7 deficiency. Also called: MYOPATHY, CONGENITAL, DUE TO INTEGRIN ALPHA-7 DEFICIENCY; Congenital muscular dystrophy with integrin alpha-7 deficiency; Muscular dystrophy, congenital, due to ITGA7 deficiency. Identifiers: Orphanet 34520, MedGen C2750786, MONDO:0013177, OMIM 613204.

Allele frequency attached by ClinVar (database versions not stated): TOPMed below 0.00001; gnomAD 0.00001.
gnomAD v4.1: 2 of 1,589,342 alleles (0.00013%); highest among the groups gnomAD compares: Non-Finnish European, 0.000086%; no homozygotes.

Submission:

Labcorp Genetics (formerly Invitae), Labcorp
Classification: Uncertain significance for Congenital muscular dystrophy due to integrin alpha-7 deficiency. Last evaluated: 2018-03-08. Review status: criteria provided, single submitter. Criteria: Invitae Variant Classification Sherloc (09022015). Collection method: clinical testing. Allele origin: germline.
Comment: This variant is not present in population databases (ExAC no frequency). In summary, the available evidence is currently insufficient to determine the role of this variant in disease. Therefore, it has been classified as a Variant of Uncertain Significance. Algorithms developed to predict the effect of missense changes on protein structure and function output the following: SIFT: "Tolerated"; PolyPhen-2: "Benign"; Align-GVGD: "Class C0". The serine amino acid residue is found in multiple mammalian species, suggesting that this missense change does not adversely affect protein function. These predictions have not been confirmed by published functional studies and their clinical significance is uncertain. This variant has not been reported in the literature in individuals with ITGA7-related disease. This sequence change replaces proline with serine at codon 607 of the ITGA7 protein (p.Pro607Ser). The proline residue is moderately conserved and there is a moderate physicochemical difference between proline and serine.

NM_002206.3(ITGA7):c.1819C>T (p.Pro607Ser)

Gene: ITGA7 (integrin subunit alpha 7; minus strand). Cytogenetic location: 12q13.2.
Variant type: single nucleotide variant.
Coding change: c.1819C>T on transcript NM_002206.3 (MANE Select); coding-DNA position 1819, C replaced by T.
Protein change: p.Pro607Ser; replaces proline 607 with serine.
Molecular consequence: missense variant.
Genome position (GRCh38, 1-based): chr12:55,696,351, G>A on the plus strand (C>T on the coding strand, the complement: ITGA7 is on the minus strand). VCF-style: chr12-55696351-G-A. GRCh37 (hg19) VCF-style: chr12-56090135-G-A.
Other names: c.1831C>T, p.Pro611Ser (NM_001144996.2); c.1540C>T, p.Pro514Ser (NM_001144997.2); c.1492C>T, p.Pro498Ser (NM_001367993.1); c.475C>T, p.Pro159Ser (NM_001367994.1); c.1801C>T, p.Pro601Ser (NM_001374465.1); c.1951C>T, p.Pro651Ser (NM_001410977.1); c.1813C>T, p.Pro605Ser (NM_001414029.1); c.1744C>T, p.Pro582Ser (NM_001414030.1); and 5 more; short protein forms P607S, P514S, P498S, P159S, P611S, P601S, P651S, P567S.
Identifiers: ClinVar variation 576062 (VCV000576062.8), dbSNP rs139663941, ClinGen allele CA385187371.